The following is an entry in ClinVar:

ClinVar aggregate classification (germline): Uncertain significance (1 of 4 stars; one submission).

Conditions:
Familial focal epilepsy with variable foci (FPEVF). Identifiers: Orphanet 98820, MedGen C1858477, MONDO:0020310.

Allele frequency attached by ClinVar (database versions not stated): gnomAD exomes below 0.00001; gnomAD 0.00001; TOPMed below 0.00001.
gnomAD v4.1: 2 of 1,613,864 alleles (0.00012%); highest among the groups gnomAD compares: Non-Finnish European, 0.00017%; no homozygotes.

Submission:

Labcorp Genetics (formerly Invitae), Labcorp
Classification: Uncertain significance for Familial focal epilepsy with variable foci. Last evaluated: 2025-03-25. Review status: criteria provided, single submitter. Criteria: Invitae Variant Classification Sherloc (09022015). Collection method: clinical testing. Allele origin: germline.
Comment: This sequence change replaces lysine, which is basic and polar, with asparagine, which is neutral and polar, at codon 424 of the DEPDC5 protein (p.Lys424Asn). This variant is not present in population databases (gnomAD no frequency). This variant has not been reported in the literature in individuals affected with DEPDC5-related conditions. ClinVar contains an entry for this variant (Variation ID: 1508612). Experimental studies and prediction algorithms are not available or were not evaluated, and the functional significance of this variant is currently unknown. In summary, the available evidence is currently insufficient to determine the role of this variant in disease. Therefore, it has been classified as a Variant of Uncertain Significance.

NM_001242896.3(DEPDC5):c.1272A>T (p.Lys424Asn)

Gene: DEPDC5 (DEP domain containing 5, GATOR1 subcomplex subunit; plus strand). Cytogenetic location: 22q12.3.
Variant type: single nucleotide variant.
Coding change: c.1272A>T on transcript NM_001242896.3 (MANE Select); coding-DNA position 1272, A replaced by T.
Protein change: p.Lys424Asn; replaces lysine 424 with asparagine.
Molecular consequence: missense variant. On other transcripts: non-coding transcript variant (5).
Genome position (GRCh38, 1-based): chr22:31,806,176, A>T. VCF-style: chr22-31806176-A-T. GRCh37 (hg19) VCF-style: chr22-32202162-A-T.
Other names: c.1272A>T, p.Lys424Asn (NM_001007188.4, NM_001136029.4, NM_001242897.2 and 7 more transcripts); c.1188A>T, p.Lys396Asn (NM_001369901.1, NM_001369902.1); short protein forms K396N, K424N.
Identifiers: ClinVar variation 1508612 (VCV001508612.6), dbSNP rs1406415856, ClinGen allele CA411276434.